The following is an entry in ClinVar:

ClinVar aggregate classification (germline): Uncertain significance (1 of 4 stars; one submission).

Conditions:
Epidermolysis bullosa simplex with nail dystrophy (EBS5D). Identifiers: MedGen C4225309, MONDO:0014661, OMIM 616487.
Epidermolysis bullosa simplex 5B, with muscular dystrophy (EBS5B). Also called: EPIDERMOLYSIS BULLOSA SIMPLEX AND LIMB-GIRDLE MUSCULAR DYSTROPHY; Epidermolysis bullosa simplex with muscular dystrophy. Identifiers: Orphanet 257, MedGen C2931072, MONDO:0009181, OMIM 226670.
Epidermolysis bullosa simplex, Ogna type (EBS5A). Also called: Pidermolysis bullosa simplex 5A, Ogna type; EPIDERMOLYSIS BULLOSA SIMPLEX 5A, OGNA TYPE. Identifiers: Orphanet 79401, MedGen C0432317, MONDO:0007555, OMIM 131950.
Autosomal recessive limb-girdle muscular dystrophy type 2Q (LGMDR17). Also called: MUSCULAR DYSTROPHY, LIMB-GIRDLE, AUTOSOMAL RECESSIVE 17. Identifiers: Orphanet 254361, MedGen C3150989, MONDO:0013390, OMIM 613723.
Epidermolysis bullosa simplex 5C, with pyloric atresia (EBS5C). Also called: Epidermolysis bullosa simplex with pyloric atresia; PLEC-Related Epidermolysis Bullosa with Pyloric Atresia; PLEC1-Related Epidermolysis Bullosa with Pyloric Atresia. Identifiers: Orphanet 158684, MedGen C2677349, MONDO:0012807, OMIM 612138.

Allele frequency attached by ClinVar (database versions not stated): ExAC 0.00001.
gnomAD v4.1: 23 of 1,610,590 alleles (0.0014%); highest among the groups gnomAD compares: East Asian, 0.0022%; no homozygotes.

Submission:

Labcorp Genetics (formerly Invitae), Labcorp
Classification: Uncertain significance for Autosomal recessive limb-girdle muscular dystrophy type 2Q; Epidermolysis bullosa simplex, Ogna type; Epidermolysis bullosa simplex with nail dystrophy; Epidermolysis bullosa simplex 5C, with pyloric atresia; Epidermolysis bullosa simplex 5B, with muscular dystrophy. Last evaluated: 2026-02-01. Review status: criteria provided, single submitter. Criteria: Invitae Variant Classification Sherloc (09022015). Collection method: clinical testing. Allele origin: germline.
Comment: This sequence change replaces alanine, which is neutral and non-polar, with threonine, which is neutral and polar, at codon 3011 of the PLEC protein (p.Ala3011Thr). This variant is present in population databases (rs782810988, gnomAD 0.002%). This variant has not been reported in the literature in individuals affected with PLEC-related conditions. ClinVar contains an entry for this variant (Variation ID: 2159068). Invitae Evidence Modeling of protein sequence and biophysical properties (such as structural, functional, and spatial information, amino acid conservation, physicochemical variation, residue mobility, and thermodynamic stability) indicates that this missense variant is not expected to disrupt PLEC protein function with a negative predictive value of 80%. In summary, the available evidence is currently insufficient to determine the role of this variant in disease. Therefore, it has been classified as a Variant of Uncertain Significance.

NM_201384.3(PLEC):c.8950G>A (p.Ala2984Thr)

Gene: PLEC (plectin; minus strand). Cytogenetic location: 8q24.3.
Variant type: single nucleotide variant.
Coding change: c.8950G>A on transcript NM_201384.3 (MANE Select); coding-DNA position 8950, G replaced by A.
Protein change: p.Ala2984Thr; replaces alanine 2984 with threonine.
Molecular consequence: missense variant.
Genome position (GRCh38, 1-based): chr8:143,920,871, C>T on the plus strand (G>A on the coding strand, the complement: PLEC is on the minus strand). VCF-style: chr8-143920871-C-T. GRCh37 (hg19) VCF-style: chr8-144995039-C-T.
Other names: c.9031G>A, p.Ala3011Thr (NM_000445.5); c.5650G>A, p.Ala1884Thr (NM_001410941.1); c.8908G>A, p.Ala2970Thr (NM_201378.4); c.8884G>A, p.Ala2962Thr (NM_201379.3); c.9361G>A, p.Ala3121Thr (NM_201380.4); c.8854G>A, p.Ala2952Thr (NM_201381.3); c.8950G>A, p.Ala2984Thr (NM_201382.4); c.8962G>A, p.Ala2988Thr (NM_201383.3); short protein forms A2988T, A3011T, A1884T, A3121T, A2970T, A2952T, A2962T, A2984T.
Identifiers: ClinVar variation 2159068 (VCV002159068.4), dbSNP rs782810988, ClinGen allele CA4925128.